The following is an entry in ClinVar:

NM_020831.6(MRTFA):c.1618G>A (p.Gly540Arg)

Gene: MRTFA (myocardin related transcription factor A; minus strand). Cytogenetic location: 22q13.1.
Variant type: single nucleotide variant.
Coding change: c.1618G>A on transcript NM_020831.6 (MANE Select); coding-DNA position 1618, G replaced by A.
Protein change: p.Gly540Arg; replaces glycine 540 with arginine.
Molecular consequence: missense variant.
Genome position (GRCh38, 1-based): chr22:40,419,120, C>T on the plus strand (G>A on the coding strand, the complement: MRTFA is on the minus strand). VCF-style: chr22-40419120-C-T. GRCh37 (hg19) VCF-style: chr22-40815124-C-T.
Other names: c.1318G>A, p.Gly440Arg (NM_001282660.2); c.1468G>A, p.Gly490Arg (NM_001282661.3); c.1618G>A, p.Gly540Arg (NM_001282662.3); c.1423G>A, p.Gly475Arg (NM_001318139.2); c.1318G>A (NM_020831.3); short protein forms G440R, G475R, G490R, G540R.
Identifiers: ClinVar variation 2794067 (VCV002794067.4), dbSNP rs1188745956, ClinGen allele CA411661656.

ClinVar aggregate classification (germline): Uncertain significance. Review status: criteria provided, multiple submitters, no conflicts (2 of 4 stars). 2 submissions from 2 submitters: Uncertain significance (2). Last evaluated 2026-01-21.

Allele frequency attached by ClinVar (database versions not stated): gnomAD exomes below 0.00001.
gnomAD v4.1: 4 of 1,590,042 alleles (0.00025%); highest among the groups gnomAD compares: East Asian, 0.0023%; no homozygotes.

Submissions (2):

Ambry Genetics
Classification: Uncertain significance. Last evaluated: 2026-01-21. Review status: criteria provided, single submitter. Criteria: Ambry Variant Classification Scheme 2023. Collection method: clinical testing. Allele origin: germline.

Labcorp Genetics (formerly Invitae), Labcorp
Classification: Uncertain significance. Last evaluated: 2022-11-21. Review status: criteria provided, single submitter. Criteria: Invitae Variant Classification Sherloc (09022015). Collection method: clinical testing. Allele origin: germline.
Comment: In summary, the available evidence is currently insufficient to determine the role of this variant in disease. Therefore, it has been classified as a Variant of Uncertain Significance. Algorithms developed to predict the effect of missense changes on protein structure and function are either unavailable or do not agree on the potential impact of this missense change (SIFT: "Tolerated"; PolyPhen-2: "Probably Damaging"; Align-GVGD: "Class C0"). This variant has not been reported in the literature in individuals affected with MKL1-related conditions. The frequency data for this variant in the population databases is considered unreliable, as metrics indicate poor data quality at this position in the gnomAD database. This sequence change replaces glycine, which is neutral and non-polar, with arginine, which is basic and polar, at codon 440 of the MKL1 protein (p.Gly440Arg).